The following is an entry in ClinVar:

ClinVar aggregate classification (germline): Uncertain significance. Review status: criteria provided, multiple submitters, no conflicts (2 of 4 stars). 2 submissions from 2 submitters: Uncertain significance (2). Last evaluated 2026-07-07.

Conditions:
Hereditary cancer-predisposing syndrome. Also called: Neoplastic Syndromes, Hereditary; Hereditary Cancer Syndrome; Hereditary neoplastic syndrome; Tumor predisposition. Identifiers: Orphanet 140162, MedGen C0027672, MeSH D009386, MONDO:0015356.
Hereditary diffuse gastric adenocarcinoma (HDGC). Also called: DIFFUSE GASTRIC AND LOBULAR BREAST CANCER SYNDROME. Identifiers: Orphanet 26106, MedGen C1708349, MONDO:0007648, OMIM 137215.

Submissions (2):

Ambry Genetics
Classification: Uncertain significance for Hereditary cancer-predisposing syndrome. Last evaluated: 2026-07-07. Review status: criteria provided, single submitter. Criteria: Ambry Variant Classification Scheme 2023. Collection method: clinical testing. Allele origin: germline.
Comment: The p.E813G variant (also known as c.2438A>G), located in coding exon 15 of the CDH1 gene, results from an A to G substitution at nucleotide position 2438. The glutamic acid at codon 813 is replaced by glycine, an amino acid with similar properties. This amino acid position is conserved. In addition, the in silico prediction for this alteration is inconclusive. Based on the available evidence, the clinical significance of this variant remains unclear.

Labcorp Genetics (formerly Invitae), Labcorp
Classification: Uncertain significance for Hereditary diffuse gastric adenocarcinoma. Last evaluated: 2018-09-26. Review status: criteria provided, single submitter. Criteria: Invitae Variant Classification Sherloc (09022015). Collection method: clinical testing. Allele origin: germline.
Comment: This sequence change replaces glutamic acid with glycine at codon 813 of the CDH1 protein (p.Glu813Gly). The glutamic acid residue is highly conserved and there is a moderate physicochemical difference between glutamic acid and glycine. This variant is not present in population databases (ExAC no frequency). This variant has not been reported in the literature in individuals with CDH1-related disease. Algorithms developed to predict the effect of missense changes on protein structure and function are either unavailable or do not agree on the potential impact of this missense change (SIFT: "Tolerated"; PolyPhen-2: "Probably Damaging"; Align-GVGD: "Class C0"). In summary, the available evidence is currently insufficient to determine the role of this variant in disease. Therefore, it has been classified as a Variant of Uncertain Significance.

NM_004360.5(CDH1):c.2438A>G (p.Glu813Gly)

Gene: CDH1 (cadherin 1; plus strand). Cytogenetic location: 16q22.1.
Variant type: single nucleotide variant.
Coding change: c.2438A>G on transcript NM_004360.5 (MANE Select); coding-DNA position 2438, A replaced by G.
Protein change: p.Glu813Gly; replaces glutamic acid 813 with glycine.
Molecular consequence: missense variant.
Genome position (GRCh38, 1-based): chr16:68,829,796, A>G. VCF-style: chr16-68829796-A-G. GRCh37 (hg19) VCF-style: chr16-68863699-A-G.
Other names: c.2255A>G, p.Glu752Gly (NM_001317184.2); c.890A>G, p.Glu297Gly (NM_001317185.2); c.473A>G, p.Glu158Gly (NM_001317186.2); c.2438A>G (LRG_301t1); short protein forms E158G, E297G, E752G, E813G.
Identifiers: ClinVar variation 643912 (VCV000643912.10), dbSNP rs1596972922, ClinGen allele CA396471402.